The following is an entry in ClinVar:

NM_001267550.2(TTN):c.40408G>A (p.Ala13470Thr)

Gene: TTN (titin; minus strand). Cytogenetic location: 2q31.2.
Variant type: single nucleotide variant.
Coding change: c.40408G>A on transcript NM_001267550.2 (MANE Select); coding-DNA position 40408, G replaced by A.
Protein change: p.Ala13470Thr; replaces alanine 13470 with threonine.
Molecular consequence: missense variant. On other transcripts: intron variant (3).
Genome position (GRCh38, 1-based): chr2:178,645,920, C>T on the plus strand (G>A on the coding strand, the complement: TTN is on the minus strand). VCF-style: chr2-178645920-C-T. GRCh37 (hg19) VCF-style: chr2-179510647-C-T.
Other names: c.35485G>A, p.Ala11829Thr (NM_001256850.1); c.32704G>A, p.Ala10902Thr (NM_133378.4); c.13283-3603G>A (NM_003319.4); c.13859-3603G>A (NM_133437.4); c.13658-3603G>A (NM_133432.3); short protein forms A10902T, A11829T, A13470T.
Identifiers: ClinVar variation 842518 (VCV000842518.10), dbSNP rs2061858723, ClinGen allele CA349438636.

ClinVar aggregate classification (germline): Uncertain significance (1 of 4 stars; one submission).

Conditions:
Autosomal recessive limb-girdle muscular dystrophy type 2J (LGMDR10). Also called: Limb-girdle muscular dystrophy, type 2J; MUSCULAR DYSTROPHY, LIMB-GIRDLE, AUTOSOMAL RECESSIVE 10. Identifiers: Orphanet 140922, MedGen C1837342, MONDO:0012127, OMIM 608807.
Dilated cardiomyopathy 1G (CMD1G). Identifiers: Orphanet 154, MedGen C1858763, MONDO:0011400, OMIM 604145.

gnomAD v4.1: 1 of 1,558,828 alleles (0.000064%); highest among the groups gnomAD compares: Non-Finnish European, 0.000087%; no homozygotes.

Submission:

Labcorp Genetics (formerly Invitae), Labcorp
Classification: Uncertain significance for Dilated cardiomyopathy 1G; Autosomal recessive limb-girdle muscular dystrophy type 2J. Last evaluated: 2022-08-16. Review status: criteria provided, single submitter. Criteria: Invitae Variant Classification Sherloc (09022015). Collection method: clinical testing. Allele origin: germline.
Comment: This variant has not been reported in the literature in individuals affected with TTN-related conditions. ClinVar contains an entry for this variant (Variation ID: 842518). Experimental studies and prediction algorithms are not available or were not evaluated, and the functional significance of this variant is currently unknown. Variants that disrupt the consensus splice site are a relatively common cause of aberrant splicing (PMID: 17576681, 9536098). Algorithms developed to predict the effect of sequence changes on RNA splicing suggest that this variant may disrupt the consensus splice site. This variant is located in the I band of TTN (PMID: 25589632). Variants in this region may be clinically relevant, but have not been definitively shown to cause cardiomyopathy or neuromuscular disease (PMID: 27493940, 32778822). In summary, the available evidence is currently insufficient to determine the role of this variant in disease. Therefore, it has been classified as a Variant of Uncertain Significance. This sequence change replaces alanine, which is neutral and non-polar, with threonine, which is neutral and polar, at codon 13470 of the TTN protein (p.Ala13470Thr). This variant also falls at the last nucleotide of exon 217, which is part of the consensus splice site for this exon. This variant is not present in population databases (gnomAD no frequency).

Literature cited by the submitters: PubMed 17576681; PubMed 9536098; PubMed 25589632; PubMed 27493940; PubMed 32778822.